The following is an entry in ClinVar:

ClinVar aggregate classification (germline): Uncertain significance. Review status: criteria provided, multiple submitters, no conflicts (2 of 4 stars). 2 submissions from 2 submitters: Uncertain significance (2). Last evaluated 2025-09-08.

Conditions:
SRCAP-related disorder. Also called: SRCAP-related condition.

Allele frequency attached by ClinVar (database versions not stated): gnomAD exomes below 0.00001; TOPMed 0.00001.
gnomAD v4.1: 1 of 1,614,214 alleles (0.000062%); highest among the groups gnomAD compares: Admixed American, 0.0017%; no homozygotes.

Submissions (2):

PreventionGenetics, part of Exact Sciences
Classification: Uncertain significance for SRCAP-related condition. Last evaluated: 2025-09-08. Review status: criteria provided, single submitter. Criteria: ACMG Guidelines, 2015. Collection method: clinical testing. Allele origin: germline.
Comment: The SRCAP c.1217A>G variant is predicted to result in the amino acid substitution p.Asn406Ser. To our knowledge, this variant has not been reported in the literature. This variant is reported in 0.0029% of alleles in individuals of Latino descent in gnomAD. At this time, the clinical significance of this variant is uncertain due to the absence of conclusive functional and genetic evidence.

Labcorp Genetics (formerly Invitae), Labcorp
Classification: Uncertain significance. Last evaluated: 2022-09-08. Review status: criteria provided, single submitter. Criteria: Invitae Variant Classification Sherloc (09022015). Collection method: clinical testing. Allele origin: germline.
Comment: This sequence change replaces asparagine, which is neutral and polar, with serine, which is neutral and polar, at codon 406 of the SRCAP protein (p.Asn406Ser). This variant is present in population databases (no rsID available, gnomAD 0.003%). This variant has not been reported in the literature in individuals affected with SRCAP-related conditions. Algorithms developed to predict the effect of missense changes on protein structure and function are either unavailable or do not agree on the potential impact of this missense change (SIFT: "Deleterious"; PolyPhen-2: "Not Available"; Align-GVGD: "Class C15"). In summary, the available evidence is currently insufficient to determine the role of this variant in disease. Therefore, it has been classified as a Variant of Uncertain Significance.

NM_006662.3(SRCAP):c.1217A>G (p.Asn406Ser)

Gene: SRCAP (Snf2 related CREBBP activator protein; plus strand). Cytogenetic location: 16p11.2.
Variant type: single nucleotide variant.
Coding change: c.1217A>G on transcript NM_006662.3 (MANE Select); coding-DNA position 1217, A replaced by G.
Protein change: p.Asn406Ser; replaces asparagine 406 with serine.
Molecular consequence: missense variant.
Genome position (GRCh38, 1-based): chr16:30,710,836, A>G. VCF-style: chr16-30710836-A-G. GRCh37 (hg19) VCF-style: chr16-30722157-A-G.
Other names: c.1217A>G (NM_006662.2); short protein forms N406S.
Identifiers: ClinVar variation 2120047 (VCV002120047.5), dbSNP rs1428285279, ClinGen allele CA395603072.